The following is an entry in ClinVar:

ClinVar aggregate classification (germline): Uncertain significance (1 of 4 stars; one submission).

Conditions:
Familial renal glucosuria (GLYS). Also called: RENAL GLUCOSURIA, AUTOSOMAL DOMINANT; Familial renal glycosuria. Identifiers: Orphanet 69076, MedGen C3245525, MONDO:0009297, OMIM 233100.

Submission:

MVZ Medizinische Genetik Mainz
Classification: Uncertain significance for Familial renal glucosuria. Last evaluated: 2022-03-29. Review status: criteria provided, single submitter. Criteria: UK Practice Guidelines For Variant Classification V4 01 2020. Collection method: clinical testing. Allele origin: germline. Inheritance: Autosomal recessive inheritance. Affected: yes. Observed: 1 variant allele.
Comment: ACMG Criteria: PM2_SUP, PM3_SUP, PP3, PP4

NM_003041.4(SLC5A2):c.1978A>G (p.Met660Val)

Genes: RUSF1 (RUS family member 1; minus strand), SLC5A2 (solute carrier family 5 member 2; plus strand). Cytogenetic location: 16p11.2.
Variant type: single nucleotide variant.
Coding change: c.1978A>G on transcript NM_003041.4 (MANE Select); coding-DNA position 1978, A replaced by G.
Protein change: p.Met660Val; replaces methionine 660 with valine.
Molecular consequence: missense variant. On other transcripts: 3 prime UTR variant (1), non-coding transcript variant (1).
Genome position (GRCh38, 1-based): chr16:31,490,494, A>G. VCF-style: chr16-31490494-A-G. GRCh37 (hg19) VCF-style: chr16-31501815-A-G.
Other names: c.*341T>C (NM_022744.4); short protein forms M660V.
Identifiers: ClinVar variation 3066199 (VCV003066199.1), dbSNP rs2082556162, ClinGen allele CA395741133.